The following is an entry in ClinVar:

ClinVar aggregate classification (germline): Pathogenic (1 of 4 stars; one submission).

Submission:

Labcorp Genetics (formerly Invitae), Labcorp
Classification: Pathogenic. Last evaluated: 2025-12-23. Review status: criteria provided, single submitter. Criteria: Invitae Variant Classification Sherloc (09022015). Collection method: clinical testing. Allele origin: germline.
Comment: This sequence change creates a premature translational stop signal (p.Glu737*) in the LZTR1 gene. It is expected to result in an absent or disrupted protein product. Loss-of-function variants in LZTR1 are known to be pathogenic (PMID: 24362817, 25335493, 25480913, 25795793, 29469822, 30368668, 30442762, 30442766, 30481304, 30859559). This variant is not present in population databases (gnomAD no frequency). This variant has not been reported in the literature in individuals affected with LZTR1-related conditions. Algorithms developed to predict the effect of sequence changes on RNA splicing suggest that this variant may create or strengthen a splice site. For these reasons, this variant has been classified as Pathogenic.

Literature cited by the submitters: PubMed 24362817; PubMed 25335493; PubMed 25480913; PubMed 25795793; PubMed 29469822; PubMed 30368668; PubMed 30442762; PubMed 30442766; PubMed 30481304; PubMed 30859559.

NM_006767.4(LZTR1):c.2209G>T (p.Glu737Ter)

Gene: LZTR1 (leucine zipper like post translational regulator 1; plus strand). Cytogenetic location: 22q11.21.
Variant type: single nucleotide variant.
Coding change: c.2209G>T on transcript NM_006767.4 (MANE Select); coding-DNA position 2209, G replaced by T.
Protein change: p.Glu737Ter; replaces glutamic acid 737 with a stop codon.
Molecular consequence: nonsense.
Genome position (GRCh38, 1-based): chr22:20,996,102, G>T. VCF-style: chr22-20996102-G-T. GRCh37 (hg19) VCF-style: chr22-21350391-G-T.
Other names: short protein forms E737*.
Identifiers: ClinVar variation 4705334 (VCV004705334.1).